The following is an entry in ClinVar:

NM_176787.5(PIGN):c.2672G>A (p.Ser891Asn)

Gene: PIGN (phosphatidylinositol glycan anchor biosynthesis class N; minus strand). Cytogenetic location: 18q21.33.
Variant type: single nucleotide variant.
Coding change: c.2672G>A on transcript NM_176787.5 (MANE Select); coding-DNA position 2672, G replaced by A.
Protein change: p.Ser891Asn; replaces serine 891 with asparagine.
Molecular consequence: missense variant.
Genome position (GRCh38, 1-based): chr18:62,072,673, C>T on the plus strand (G>A on the coding strand, the complement: PIGN is on the minus strand). VCF-style: chr18-62072673-C-T. GRCh37 (hg19) VCF-style: chr18-59739906-C-T.
Other names: c.2672G>A, p.Ser891Asn (NM_012327.6); short protein forms S891N.
Identifiers: ClinVar variation 451788 (VCV000451788.2), dbSNP rs1555676593, ClinGen allele CA402723414.

ClinVar aggregate classification (germline): Uncertain significance (1 of 4 stars; one submission).

Allele frequency attached by ClinVar (database versions not stated): gnomAD exomes below 0.00001.
gnomAD v4.1: 2 of 1,604,306 alleles (0.00012%); highest among the groups gnomAD compares: Non-Finnish European, 0.00017%; no homozygotes.

Submission:

GeneDx
Classification: Uncertain significance. Last evaluated: 2017-09-07. Review status: criteria provided, single submitter. Criteria: GeneDx Variant Classification (06012015). Collection method: clinical testing. Allele origin: germline. Affected: yes.
Comment: The c.2672 G>A variant in the PIGN gene has not been reported previously as a pathogenic variant, nor as a benign variant, to our knowledge. This variant is not observed in large population cohorts (Lek et al., 2016; 1000 Genomes Consortium et al., 2015; Exome Variant Server). In-silico splice models predict that c.2672 G>A may destroy the natural splice donor site of intron 30. However, in the absence of RNA/functional studies, the actual effect of the c.2672 G>A change is unknown. If c.2672 G>A does not alter splicing, it will result in the S891N missense change. The S891N variant is a conservative amino acid substitution, which is not likely to impact secondary protein structure as these residues share similar properties. This substitution occurs at a position that is conserved across species. In silico analysis is inconsistent in its predictions as to whether or not this missense variant is damaging to the protein structure/function. We interpret c.2672 G>A as a variant of uncertain significance.